The following is an entry in ClinVar:

NM_001199107.2(TBC1D24):c.198G>A (p.Thr66=)

Gene: TBC1D24 (TBC1 domain family member 24; plus strand). Cytogenetic location: 16p13.3.
Variant type: single nucleotide variant.
Coding change: c.198G>A on transcript NM_001199107.2 (MANE Select); coding-DNA position 198, G replaced by A.
Protein change: p.Thr66=; no amino-acid change (threonine 66 retained).
Molecular consequence: synonymous variant.
Genome position (GRCh38, 1-based): chr16:2,496,346, G>A. VCF-style: chr16-2496346-G-A. GRCh37 (hg19) VCF-style: chr16-2546347-G-A.
Other names: c.198G>A, p.Thr66= (NM_020705.3).
Identifiers: ClinVar variation 573760 (VCV000573760.12), dbSNP rs373088306, ClinGen allele CA7843948.

ClinVar aggregate classification (germline): Likely benign. Review status: criteria provided, multiple submitters, no conflicts (2 of 4 stars). 2 submissions from 2 submitters: Likely benign (2). Last evaluated 2026-05-10.

Conditions:
TBC1D24-related disorder. Also called: TBC1D24-related condition; TBC1D24-related disorders. Identifiers: MedGen CN381194.
Autosomal dominant nonsyndromic hearing loss 65. Also called: TBC1D24-Related Autosomal Dominant Nonsyndromic Hearing Loss (DFNA); Deafness, autosomal dominant 65. Identifiers: Orphanet 90635, MedGen C3892048, MONDO:0014470, OMIM 616044.
Developmental and epileptic encephalopathy, 1 (DEE1). Also called: Epileptic encephalopathy, early infantile, 1; X-linked infantile spasms; West's syndrome; Tonic spasms with clustering, arrest of psychomotor development and hypsarrhythmia on EEG; X-Linked Infantile Spasm Syndrome; OHTAHARA SYNDROME, X-LINKED. Identifiers: MedGen C3463992, MONDO:0010632, OMIM 308350. Disease mechanism: loss of function.

Allele frequency attached by ClinVar (database versions not stated): gnomAD exomes 0.00001; TOPMed 0.00001; ExAC 0.00002; gnomAD 0.00002; ESP Exome Variant Server 0.00008.
gnomAD v4.1: 23 of 1,613,428 alleles (0.0014%); highest among the groups gnomAD compares: African/African-American, 0.0053%; no homozygotes.

Submissions (2):

PreventionGenetics, part of Exact Sciences
Classification: Likely benign for TBC1D24-related condition. Last evaluated: 2026-05-10. Review status: criteria provided, single submitter. Criteria: ACMG Guidelines, 2015. Collection method: clinical testing. Allele origin: germline.
Comment: This variant is classified as likely benign based on ACMG/AMP sequence variant interpretation guidelines (Richards et al. 2015 PMID: 25741868, with internal and published modifications).

Labcorp Genetics (formerly Invitae), Labcorp
Classification: Likely benign for Developmental and epileptic encephalopathy, 1; Autosomal dominant nonsyndromic hearing loss 65. Last evaluated: 2024-12-21. Review status: criteria provided, single submitter. Criteria: Invitae Variant Classification Sherloc (09022015). Collection method: clinical testing. Allele origin: germline.